The following is an entry in ClinVar:

NM_018136.5(ASPM):c.4066-4C>T

Gene: ASPM (assembly factor for spindle microtubules; minus strand). Cytogenetic location: 1q31.3.
Variant type: single nucleotide variant.
Coding change: c.4066-4C>T on transcript NM_018136.5 (MANE Select); 4 bases into the intron before coding-DNA position 4066, C replaced by T.
Molecular consequence: intron variant.
Genome position (GRCh38, 1-based): chr1:197,105,189, G>A on the plus strand (C>T on the coding strand, the complement: ASPM is on the minus strand). VCF-style: chr1-197105189-G-A. GRCh37 (hg19) VCF-style: chr1-197074319-G-A.
Other names: c.4066-9025C>T (NM_001206846.2); c.4066-4C>T (NM_018136.4).
Identifiers: ClinVar variation 2910655 (VCV002910655.8), dbSNP rs761493770, ClinGen allele CA1309989.

ClinVar aggregate classification (germline): Likely benign. Review status: criteria provided, multiple submitters, no conflicts (2 of 4 stars). 3 submissions from 3 submitters: Likely benign (3). Last evaluated 2026-08-19.

Conditions:
Inborn genetic diseases. Identifiers: MedGen C0950123, MeSH D030342.

Allele frequency attached by ClinVar (database versions not stated): gnomAD exomes below 0.00001; ExAC 0.00001; gnomAD 0.00002; TOPMed 0.00005.
gnomAD v4.1: 11 of 1,594,338 alleles (0.00069%); highest among the groups gnomAD compares: African/African-American, 0.0094%; no homozygotes.

Submissions (3):

Ambry Genetics
Classification: Likely benign for Inborn genetic diseases. Last evaluated: 2026-08-19. Review status: criteria provided, single submitter. Criteria: Ambry Variant Classification Scheme 2023. Collection method: clinical testing. Allele origin: germline.

Labcorp Genetics (formerly Invitae), Labcorp
Classification: Likely benign. Last evaluated: 2026-01-27. Review status: criteria provided, single submitter. Criteria: Invitae Variant Classification Sherloc (09022015). Collection method: clinical testing. Allele origin: germline.

Women's Health and Genetics/Laboratory Corporation of America, LabCorp
Classification: Likely benign. Last evaluated: 2025-04-30. Review status: criteria provided, single submitter. Criteria: LabCorp Variant Classification Summary - May 2015. Collection method: clinical testing. Allele origin: germline.
Comment: Variant summary: ASPM c.4066-4C>T alters a non-conserved nucleotide located at a position not widely known to affect splicing. Consensus agreement among computation tools predict no significant impact on normal splicing. However, these predictions have yet to be confirmed by functional studies. The variant allele was found at a frequency of 4.1e-06 in 244996 control chromosomes. The available data on variant occurrences in the general population are insufficient to allow any conclusion about variant significance. To our knowledge, no occurrence of c.4066-4C>T in individuals affected with Primary microcephaly and no experimental evidence demonstrating its impact on protein function have been reported. ClinVar contains an entry for this variant (Variation ID: 2910655). Based on the evidence outlined above, the variant was classified as likely benign.